The following is an entry in ClinVar:

ClinVar aggregate classification (germline): Conflicting classifications of pathogenicity. Review status: criteria provided, conflicting classifications (1 of 4 stars). 2 submissions from 2 submitters: Uncertain significance (1); Likely benign (1). Last evaluated 2025-10-23.

Conditions:
Early-infantile DEE. Also called: Ohtahara syndrome; Early infantile epileptic encephalopathy with suppression bursts; Early infantile epileptic encephalopathy. Identifiers: Orphanet 1934, MedGen C0393706, MONDO:0800491.
Inborn genetic diseases. Identifiers: MedGen C0950123, MeSH D030342.

Allele frequency attached by ClinVar (database versions not stated): ExAC 0.00002; gnomAD exomes 0.00002 and 0.00003; gnomAD 0.00005 and 0.00007; TOPMed 0.00005; ESP Exome Variant Server 0.00008.
gnomAD v4.1: 38 of 1,613,980 alleles (0.0024%); highest among the groups gnomAD compares: African/African-American, 0.02%; no homozygotes.

Submissions (2):

Labcorp Genetics (formerly Invitae), Labcorp
Classification: Uncertain significance for Early-infantile DEE. Last evaluated: 2025-10-23. Review status: criteria provided, single submitter. Criteria: Invitae Variant Classification Sherloc (09022015). Collection method: clinical testing. Allele origin: germline.
Comment: This sequence change replaces arginine, which is basic and polar, with lysine, which is basic and polar, at codon 869 of the HCN1 protein (p.Arg869Lys). The frequency data for this variant in the population databases is considered unreliable, as metrics indicate poor data quality at this position in the gnomAD database. This variant has not been reported in the literature in individuals affected with HCN1-related conditions. ClinVar contains an entry for this variant (Variation ID: 1424356). Invitae Evidence Modeling of protein sequence and biophysical properties (such as structural, functional, and spatial information, amino acid conservation, physicochemical variation, residue mobility, and thermodynamic stability) indicates that this missense variant is not expected to disrupt HCN1 protein function with a negative predictive value of 95%. In summary, the available evidence is currently insufficient to determine the role of this variant in disease. Therefore, it has been classified as a Variant of Uncertain Significance.

Ambry Genetics
Classification: Likely benign for Inborn genetic diseases. Last evaluated: 2023-08-14. Review status: criteria provided, single submitter. Criteria: Ambry Variant Classification Scheme 2023. Collection method: clinical testing. Allele origin: germline.

NM_021072.4(HCN1):c.2606G>A (p.Arg869Lys)

Gene: HCN1 (hyperpolarization activated cyclic nucleotide gated potassium channel 1; minus strand). Cytogenetic location: 5p12.
Variant type: single nucleotide variant.
Coding change: c.2606G>A on transcript NM_021072.4 (MANE Select); coding-DNA position 2606, G replaced by A.
Protein change: p.Arg869Lys; replaces arginine 869 with lysine.
Molecular consequence: missense variant.
Genome position (GRCh38, 1-based): chr5:45,261,988, C>T on the plus strand (G>A on the coding strand, the complement: HCN1 is on the minus strand). VCF-style: chr5-45261988-C-T. GRCh37 (hg19) VCF-style: chr5-45262090-C-T.
Other names: c.2606G>A (NM_021072.3); short protein forms R869K.
Identifiers: ClinVar variation 1424356 (VCV001424356.8), dbSNP rs372807250, ClinGen allele CA3259074.